The following is an entry in ClinVar:

ClinVar aggregate classification (germline): Pathogenic (1 of 4 stars; one submission).

Conditions:
Metachromatic leukodystrophy (MLD). Also called: Cerebral sclerosis diffuse metachromatic form; Arylsulfatase A Deficiency; ARSA DEFICIENCY; CEREBROSIDE SULFATASE DEFICIENCY; METACHROMATIC LEUKOENCEPHALOPATHY; SULFATIDE LIPIDOSIS. Identifiers: Orphanet 512, MedGen C0023522, MONDO:0018868, OMIM 250100.

Submission:

Labcorp Genetics (formerly Invitae), Labcorp
Classification: Pathogenic for Metachromatic leukodystrophy. Last evaluated: 2024-03-03. Review status: criteria provided, single submitter. Criteria: Invitae Variant Classification Sherloc (09022015). Collection method: clinical testing. Allele origin: germline.
Comment: This sequence change replaces glycine, which is neutral and non-polar, with valine, which is neutral and non-polar, at codon 298 of the ARSA protein (p.Gly298Val). This variant is not present in population databases (gnomAD no frequency). This missense change has been observed in individual(s) with metachromatic leukodystrophy (PMID: 30057904, 32617873). In at least one individual the data is consistent with being in trans (on the opposite chromosome) from a pathogenic variant. Advanced modeling of protein sequence and biophysical properties (such as structural, functional, and spatial information, amino acid conservation, physicochemical variation, residue mobility, and thermodynamic stability) performed at Invitae indicates that this missense variant is expected to disrupt ARSA protein function with a positive predictive value of 95%. This variant disrupts the p.Gly298 amino acid residue in ARSA. Other variant(s) that disrupt this residue have been determined to be pathogenic (Invitae). This suggests that this residue is clinically significant, and that variants that disrupt this residue are likely to be disease-causing. For these reasons, this variant has been classified as Pathogenic.

Literature cited by the submitters: PubMed 30057904; PubMed 32617873.

NM_000487.6(ARSA):c.893G>T (p.Gly298Val)

Gene: ARSA (arylsulfatase A; minus strand). Cytogenetic location: 22q13.33.
Variant type: single nucleotide variant.
Coding change: c.893G>T on transcript NM_000487.6 (MANE Select); coding-DNA position 893, G replaced by T.
Protein change: p.Gly298Val; replaces glycine 298 with valine.
Molecular consequence: missense variant.
Genome position (GRCh38, 1-based): chr22:50,626,240, C>A on the plus strand (G>T on the coding strand, the complement: ARSA is on the minus strand). VCF-style: chr22-50626240-C-A. GRCh37 (hg19) VCF-style: chr22-51064668-C-A.
Other names: c.893G>T, p.Gly298Val (NM_001085425.3, NM_001085426.3, NM_001085427.3); c.635G>T, p.Gly212Val (NM_001085428.3, NM_001362782.2); short protein forms G212V, G298V.
Identifiers: ClinVar variation 3704496 (VCV003704496.2).